The following is an entry in ClinVar:

NM_014319.5(LEMD3):c.135G>C (p.Lys45Asn)

Gene: LEMD3 (LEM domain containing 3; plus strand). Cytogenetic location: 12q14.3.
Variant type: single nucleotide variant.
Coding change: c.135G>C on transcript NM_014319.5 (MANE Select); coding-DNA position 135, G replaced by C.
Protein change: p.Lys45Asn; replaces lysine 45 with asparagine.
Molecular consequence: missense variant.
Genome position (GRCh38, 1-based): chr12:65,169,731, G>C. VCF-style: chr12-65169731-G-C. GRCh37 (hg19) VCF-style: chr12-65563511-G-C.
Other names: c.135G>C, p.Lys45Asn (NM_001167614.2); short protein forms K45N.
Identifiers: ClinVar variation 4741400 (VCV004741400.1).

ClinVar aggregate classification (germline): Uncertain significance (1 of 4 stars; one submission).

Submission:

Labcorp Genetics (formerly Invitae), Labcorp
Classification: Uncertain significance. Last evaluated: 2025-05-13. Review status: criteria provided, single submitter. Criteria: Invitae Variant Classification Sherloc (09022015). Collection method: clinical testing. Allele origin: germline.
Comment: This sequence change replaces lysine, which is basic and polar, with asparagine, which is neutral and polar, at codon 45 of the LEMD3 protein (p.Lys45Asn). This variant is not present in population databases (gnomAD no frequency). This variant has not been reported in the literature in individuals affected with LEMD3-related conditions. Invitae Evidence Modeling of protein sequence and biophysical properties (such as structural, functional, and spatial information, amino acid conservation, physicochemical variation, residue mobility, and thermodynamic stability) indicates that this missense variant is not expected to disrupt LEMD3 protein function with a negative predictive value of 80%. In summary, the available evidence is currently insufficient to determine the role of this variant in disease. Therefore, it has been classified as a Variant of Uncertain Significance.